The following is an entry in ClinVar:

ClinVar aggregate classification (germline): Pathogenic. Review status: criteria provided, single submitter (1 of 4 stars). 2 submissions from 2 submitters: Pathogenic (1). 1 of the submissions does not count toward it. Last evaluated 2022-09-01.

Conditions:
Waardenburg syndrome type 2E (WS2E). Also called: WAARDENBURG SYNDROME, TYPE 2E, WITH OR WITHOUT NEUROLOGIC INVOLVEMENT; WS2E, WITH OR WITHOUT NEUROLOGIC INVOLVEMENT; HYPOGONADOTROPIC HYPOGONADISM WITH ANOSMIA AND DEAFNESS, WITH OR WITHOUT HYPOPIGMENTATION. Identifiers: Orphanet 3440, MedGen C2700405, MONDO:0012698, OMIM 611584.
Waardenburg syndrome type 4C (WS4C). Also called: WAARDENBURG SYNDROME WITH HIRSCHSPRUNG DISEASE, TYPE 4C. Identifiers: Orphanet 897, MedGen C2750452, MONDO:0013202, OMIM 613266.

Submissions (2):

3billion
Classification: Pathogenic for Waardenburg syndrome type 2E. Last evaluated: 2022-09-01. Review status: criteria provided, single submitter. Criteria: ACMG Guidelines, 2015. Collection method: clinical testing. Allele origin: germline. Affected: yes. Observed: 1 heterozygote.
Comment: The variant is not observed in the gnomAD v2.1.1 dataset. Stop-gained (nonsense) is predicted to result in a loss or disruption of normal protein function through nonsense-mediated decay (NMD) or protein truncation. Multiple pathogenic variants are reported downstream of the variant. The variant has been reported to be associated with SOX10 -related disorder (ClinVar ID: VCV001185090). Therefore, this variant is classified as Pathogenic according to the recommendation of ACMG/AMP guideline.

WangQJ Lab, Chinese People's Liberation Army General Hospital
Classification: Pathogenic for Waardenburg syndrome type 4C. Last evaluated: 2021-07-01. Review status: no assertion criteria provided. Collection method: clinical testing. Allele origin: de novo. Affected: yes. Not counted in ClinVar's aggregate classification.

NM_006941.4(SOX10):c.520C>T (p.Gln174Ter)

Genes: POLR2F (RNA polymerase II, I and III subunit F; plus strand), SOX10 (SRY-box transcription factor 10; minus strand). Cytogenetic location: 22q13.1.
Variant type: single nucleotide variant.
Coding change: c.520C>T on transcript NM_006941.4 (MANE Select); coding-DNA position 520, C replaced by T.
Protein change: p.Gln174Ter; replaces glutamine 174 with a stop codon.
Molecular consequence: nonsense. On other transcripts: intron variant (3).
Genome position (GRCh38, 1-based): chr22:37,978,044, G>A on the plus strand (C>T on the coding strand, the complement: SOX10 is on the minus strand). VCF-style: chr22-37978044-G-A. GRCh37 (hg19) VCF-style: chr22-38374051-G-A.
Other names: c.*38+5734G>A (NM_001363825.1); c.294-8110G>A (NM_001301130.2); c.293+10874G>A (NM_001301131.2); short protein forms Q174*.
Identifiers: ClinVar variation 1185090 (VCV001185090.4), dbSNP rs2145768481, ClinGen allele CA411497811.